The following is an entry in ClinVar:

ClinVar aggregate classification (germline): Uncertain significance (1 of 4 stars; one submission).

gnomAD v4.1: 3 of 1,614,014 alleles (0.00019%); highest among the groups gnomAD compares: Admixed American, 0.0017%; no homozygotes.

Submission:

GeneDx
Classification: Uncertain significance. Last evaluated: 2024-11-12. Review status: criteria provided, single submitter. Criteria: GeneDx Variant Classification Process June 2021. Collection method: clinical testing. Allele origin: germline. Affected: yes.
Comment: Not observed at significant frequency in large population cohorts (gnomAD); In silico analysis indicates that this missense variant does not alter protein structure/function; Has not been previously published as pathogenic or benign to our knowledge

NM_004722.4(AP4M1):c.1238G>C (p.Arg413Pro)

Gene: AP4M1 (adaptor related protein complex 4 subunit mu 1; plus strand). Cytogenetic location: 7q22.1.
Variant type: single nucleotide variant.
Coding change: c.1238G>C on transcript NM_004722.4 (MANE Select); coding-DNA position 1238, G replaced by C.
Protein change: p.Arg413Pro; replaces arginine 413 with proline.
Molecular consequence: missense variant.
Genome position (GRCh38, 1-based): chr7:100,106,758, G>C. VCF-style: chr7-100106758-G-C. GRCh37 (hg19) VCF-style: chr7-99704381-G-C.
Other names: c.1259G>C, p.Arg420Pro (NM_001363671.2); short protein forms R413P, R420P.
Identifiers: ClinVar variation 3898816 (VCV003898816.1).